The following is an entry in ClinVar:

ClinVar aggregate classification (germline): Uncertain significance (1 of 4 stars; one submission).

Conditions:
CEP290-related disorder. Also called: CEP290-related condition; CEP290-related disorders. Identifiers: MedGen CN239314.

Allele frequency attached by ClinVar (database versions not stated): gnomAD exomes below 0.00001.
gnomAD v4.1: 3 of 1,613,946 alleles (0.00019%); highest among the groups gnomAD compares: East Asian, 0.0045%; no homozygotes.

Submission:

PreventionGenetics, part of Exact Sciences
Classification: Uncertain significance for CEP290-related condition. Last evaluated: 2023-08-22. Review status: criteria provided, single submitter. Criteria: ACMG Guidelines, 2015. Collection method: clinical testing. Allele origin: germline.
Comment: The CEP290 c.3808C>G variant is predicted to result in the amino acid substitution p.Leu1270Val. To our knowledge, this variant has not been reported in the literature. This variant is reported in 0.011% of alleles in individuals of East Asian descent in gnomAD. At this time, the clinical significance of this variant is uncertain due to the absence of conclusive functional and genetic evidence.

NM_025114.4(CEP290):c.3808C>G (p.Leu1270Val)

Gene: CEP290 (centrosomal protein 290; minus strand). Cytogenetic location: 12q21.32.
Variant type: single nucleotide variant.
Coding change: c.3808C>G on transcript NM_025114.4 (MANE Select); coding-DNA position 3808, C replaced by G.
Protein change: p.Leu1270Val; replaces leucine 1270 with valine.
Molecular consequence: missense variant.
Genome position (GRCh38, 1-based): chr12:88,089,253, G>C on the plus strand (C>G on the coding strand, the complement: CEP290 is on the minus strand). VCF-style: chr12-88089253-G-C. GRCh37 (hg19) VCF-style: chr12-88483030-G-C.
Other names: short protein forms L1270V.
Identifiers: ClinVar variation 2630934 (VCV002630934.1), dbSNP rs776991513, ClinGen allele CA6712081.